The following is an entry in ClinVar:

NM_001085487.3(MYSM1):c.1842+3A>G

Gene: MYSM1 (Myb like, SWIRM and MPN domains 1; minus strand). Cytogenetic location: 1p32.1.
Variant type: single nucleotide variant.
Coding change: c.1842+3A>G on transcript NM_001085487.3 (MANE Select); 3 bases into the intron after coding-DNA position 1842, A replaced by G.
Molecular consequence: intron variant.
Genome position (GRCh38, 1-based): chr1:58,667,844, T>C on the plus strand (A>G on the coding strand, the complement: MYSM1 is on the minus strand). VCF-style: chr1-58667844-T-C. GRCh37 (hg19) VCF-style: chr1-59133516-T-C.
Identifiers: ClinVar variation 1498814 (VCV001498814.4), dbSNP rs2100604512, ClinGen allele CA2573132486.
Genomic context (GRCh38, chr1:58,667,844, plus strand): 5'-AAAATATTTGGTATGGTAGTAGGACTAAATAACTAAAACATTTTTTTAAAAGAGAGAACT[T>C]ACTTCAACTACTTTATCAACTTCTGAGTATCTTCCTCCTAACAGACCAATCACTTCTGCC-3'

ClinVar aggregate classification (germline): Uncertain significance (1 of 4 stars; one submission).

Submission:

Labcorp Genetics (formerly Invitae), Labcorp
Classification: Uncertain significance. Last evaluated: 2020-11-19. Review status: criteria provided, single submitter. Criteria: Invitae Variant Classification Sherloc (09022015). Collection method: clinical testing. Allele origin: germline.
Comment: In summary, the available evidence is currently insufficient to determine the role of this variant in disease. Therefore, it has been classified as a Variant of Uncertain Significance. Nucleotide substitutions within the consensus splice site are a relatively common cause of aberrant splicing (PMID: 17576681, 9536098). Algorithms developed to predict the effect of sequence changes on RNA splicing suggest that this variant may disrupt the consensus splice site, but this prediction has not been confirmed by published transcriptional studies. This variant has not been reported in the literature in individuals with MYSM1-related conditions. This variant is not present in population databases (ExAC no frequency). This sequence change falls in intron 15 of the MYSM1 gene. It does not directly change the encoded amino acid sequence of the MYSM1 protein. It affects a nucleotide within the consensus splice site of the intron.

Literature cited by the submitters: PubMed 17576681; PubMed 9536098.